The following is an entry in ClinVar:

ClinVar aggregate classification (germline): Benign. Review status: criteria provided, single submitter (1 of 4 stars). 2 submissions from 2 submitters: Benign (1). 1 of the submissions does not count toward it. Last evaluated 2018-01-13.

Conditions:
ITGA2-related disorder. Also called: ITGA2-related condition.
Platelet-type bleeding disorder 9 (BDPLT9). Also called: GLYCOPROTEIN Ia DEFICIENCY; GP Ia DEFICIENCY; COLLAGEN PLATELET RECEPTOR DEFICIENCY. Identifiers: Orphanet 73271, Orphanet 98886, MedGen C3280114, MONDO:0013622, OMIM 614200.

Allele frequency attached by ClinVar (database versions not stated): ESP Exome Variant Server 0.00015; 1000 Genomes Project 30x 0.00016; TOPMed 0.00021.

Submissions (2):

Illumina Laboratory Services, Illumina
Classification: Benign for Platelet-type bleeding disorder 9. Last evaluated: 2018-01-13. Review status: criteria provided, single submitter. Criteria: ICSL Variant Classification Criteria 13 December 2019. Collection method: clinical testing. Allele origin: germline.
Comment: This variant was observed in the ICSL laboratory as part of a predisposition screen in an ostensibly healthy population. It had not been previously curated by ICSL or reported in the Human Gene Mutation Database (HGMD: prior to June 1st, 2018), and was therefore a candidate for classification through an automated scoring system. Utilizing variant allele frequency, disease prevalence and penetrance estimates, and inheritance mode, an automated score was calculated to assess if this variant is too frequent to cause the disease. Based on the score and internal cut-off values, a variant classified as benign is not then subjected to further curation. The score for this variant resulted in a classification of benign for this disease.

PreventionGenetics, part of Exact Sciences
Classification: Likely benign for ITGA2-related condition. Last evaluated: 2024-04-30. Review status: no assertion criteria provided. Collection method: clinical testing. Allele origin: germline. Not counted in ClinVar's aggregate classification.
Comment: This variant is classified as likely benign based on ACMG/AMP sequence variant interpretation guidelines (Richards et al. 2015 PMID: 25741868, with internal and published modifications).

NM_002203.4(ITGA2):c.3003C>A (p.Asn1001Lys)

Gene: ITGA2 (integrin subunit alpha 2; plus strand). Cytogenetic location: 5q11.2.
Variant type: single nucleotide variant.
Coding change: c.3003C>A on transcript NM_002203.4 (MANE Select); coding-DNA position 3003, C replaced by A.
Protein change: p.Asn1001Lys; replaces asparagine 1001 with lysine.
Molecular consequence: missense variant. On other transcripts: non-coding transcript variant (5).
Genome position (GRCh38, 1-based): chr5:53,080,585, C>A. VCF-style: chr5-53080585-C-A. GRCh37 (hg19) VCF-style: chr5-52376415-C-A.
Other names: short protein forms N1001K.
Identifiers: ClinVar variation 904639 (VCV000904639.5), dbSNP rs144334272, ClinGen allele CA3263370.